The following is an entry in ClinVar:

ClinVar aggregate classification (germline): Uncertain significance. Review status: criteria provided, multiple submitters, no conflicts (2 of 4 stars). 2 submissions from 2 submitters: Uncertain significance (2). Last evaluated 2026-09-12.

Conditions:
Hereditary nonpolyposis colorectal neoplasms. Identifiers: MedGen C0009405, MeSH D003123.
Hereditary cancer-predisposing syndrome. Also called: Hereditary Cancer Syndrome; Hereditary neoplastic syndrome; Neoplastic Syndromes, Hereditary; Tumor predisposition. Identifiers: Orphanet 140162, MedGen C0027672, MeSH D009386, MONDO:0015356.

Submissions (2):

Ambry Genetics
Classification: Uncertain significance for Hereditary cancer-predisposing syndrome. Last evaluated: 2026-09-12. Review status: criteria provided, single submitter. Criteria: Ambry Variant Classification Scheme 2023. Collection method: clinical testing. Allele origin: germline.
Comment: The p.N741K variant (also known as c.2223C>A), located in coding exon 4 of the MSH6 gene, results from a C to A substitution at nucleotide position 2223. The asparagine at codon 741 is replaced by lysine, an amino acid with similar properties. This amino acid position is conserved. In addition, this alteration is predicted to be tolerated by in silico analysis. Based on the available evidence, the clinical significance of this variant remains unclear.

Labcorp Genetics (formerly Invitae), Labcorp
Classification: Uncertain significance for Hereditary nonpolyposis colorectal neoplasms. Last evaluated: 2023-07-16. Review status: criteria provided, single submitter. Criteria: Invitae Variant Classification Sherloc (09022015). Collection method: clinical testing. Allele origin: germline.
Comment: This variant has not been reported in the literature in individuals affected with MSH6-related conditions. This variant is not present in population databases (gnomAD no frequency). This sequence change replaces asparagine, which is neutral and polar, with lysine, which is basic and polar, at codon 741 of the MSH6 protein (p.Asn741Lys). Advanced modeling of protein sequence and biophysical properties (such as structural, functional, and spatial information, amino acid conservation, physicochemical variation, residue mobility, and thermodynamic stability) performed at Invitae indicates that this missense variant is not expected to disrupt MSH6 protein function. In summary, the available evidence is currently insufficient to determine the role of this variant in disease. Therefore, it has been classified as a Variant of Uncertain Significance.

NM_000179.3(MSH6):c.2223C>A (p.Asn741Lys)

Gene: MSH6 (mutS homolog 6; plus strand). Cytogenetic location: 2p16.3.
Variant type: single nucleotide variant.
Coding change: c.2223C>A on transcript NM_000179.3 (MANE Select); coding-DNA position 2223, C replaced by A.
Protein change: p.Asn741Lys; replaces asparagine 741 with lysine.
Molecular consequence: missense variant. On other transcripts: non-coding transcript variant (5), intron variant (2).
Genome position (GRCh38, 1-based): chr2:47,800,206, C>A. VCF-style: chr2-47800206-C-A. GRCh37 (hg19) VCF-style: chr2-48027345-C-A.
Other names: c.1833C>A, p.Asn611Lys (NM_001281492.2); c.1317C>A, p.Asn439Lys (NM_001281493.2, NM_001281494.2, NM_001406811.1 and 6 more transcripts); c.2319C>A, p.Asn773Lys (NM_001406795.1, NM_001406802.1); c.1926C>A, p.Asn642Lys (NM_001406805.1, NM_001406827.1, NM_001406828.1 and 10 more transcripts); c.1698C>A, p.Asn566Lys (NM_001406806.1, NM_001406807.1, NM_001406799.1); c.2223C>A, p.Asn741Lys (NM_001406808.1, NM_001406809.1, NM_001406796.1 and 3 more transcripts); c.2229C>A, p.Asn743Lys (NM_001406813.1); c.2055C>A, p.Asn685Lys (NM_001406826.1); and 3 more; short protein forms N566K, N741K, N439K, N642K, N743K, N773K, N611K, N715K.
Identifiers: ClinVar variation 2743826 (VCV002743826.4), dbSNP rs769668640, ClinGen allele CA346752447.